The following is an entry in ClinVar:

ClinVar aggregate classification (germline): Uncertain significance. Review status: criteria provided, multiple submitters, no conflicts (2 of 4 stars). 2 submissions from 2 submitters: Uncertain significance (2). Last evaluated 2023-11-07.

Conditions:
Nephrolithiasis/nephrocalcinosis. Identifiers: MedGen CN580796.
Autosomal dominant hypocalcemia 1 (HYPOC1). Also called: HYPOCALCEMIA, FAMILIAL. Identifiers: MedGen C3715128, MONDO:0011013, OMIM 601198.
Familial hypocalciuric hypercalcemia (FHH). Also called: Familial benign hypercalcemia. Identifiers: Orphanet 405, MedGen C1809471, MONDO:0018458.

Allele frequency attached by ClinVar (database versions not stated): gnomAD exomes below 0.00001; TOPMed below 0.00001.
gnomAD v4.1: 2 of 1,613,924 alleles (0.00012%); highest among the groups gnomAD compares: Non-Finnish European, 0.00017%; no homozygotes.

Submissions (2):

Labcorp Genetics (formerly Invitae), Labcorp
Classification: Uncertain significance for Familial hypocalciuric hypercalcemia; Autosomal dominant hypocalcemia 1. Last evaluated: 2023-11-07. Review status: criteria provided, single submitter. Criteria: Invitae Variant Classification Sherloc (09022015). Collection method: clinical testing. Allele origin: germline.
Comment: This sequence change replaces isoleucine, which is neutral and non-polar, with methionine, which is neutral and non-polar, at codon 434 of the CASR protein (p.Ile434Met). This variant is not present in population databases (gnomAD no frequency). This variant has not been reported in the literature in individuals affected with CASR-related conditions. ClinVar contains an entry for this variant (Variation ID: 839341). An algorithm developed to predict the effect of missense changes on protein structure and function (PolyPhen-2) suggests that this variant is likely to be disruptive. In summary, the available evidence is currently insufficient to determine the role of this variant in disease. Therefore, it has been classified as a Variant of Uncertain Significance.

Ambry Genetics
Classification: Uncertain significance for Nephrolithiasis/nephrocalcinosis. Last evaluated: 2023-04-09. Review status: criteria provided, single submitter. Criteria: Ambry Variant Classification Scheme 2023. Collection method: clinical testing. Allele origin: germline.
Comment: The p.I434M variant (also known as c.1302A>G), located in coding exon 3 of the CASR gene, results from an A to G substitution at nucleotide position 1302. The isoleucine at codon 434 is replaced by methionine, an amino acid with highly similar properties. This amino acid position is conserved. In addition, this alteration is predicted to be deleterious by in silico analysis. Since supporting evidence is limited at this time, the clinical significance of this alteration remains unclear.

NM_000388.4(CASR):c.1302A>G (p.Ile434Met)

Gene: CASR (calcium sensing receptor; plus strand). Cytogenetic location: 3q21.1.
Variant type: single nucleotide variant.
Coding change: c.1302A>G on transcript NM_000388.4 (MANE Select); coding-DNA position 1302, A replaced by G.
Protein change: p.Ile434Met; replaces isoleucine 434 with methionine.
Molecular consequence: missense variant.
Genome position (GRCh38, 1-based): chr3:122,262,337, A>G. VCF-style: chr3-122262337-A-G. GRCh37 (hg19) VCF-style: chr3-121981184-A-G.
Other names: c.1302A>G, p.Ile434Met (NM_001178065.2); short protein forms I434M.
Identifiers: ClinVar variation 839341 (VCV000839341.11), dbSNP rs2074638026, ClinGen allele CA354153031.